The following is an entry in ClinVar:

NM_020533.3(MCOLN1):c.329C>T (p.Ser110Leu)

Gene: MCOLN1 (mucolipin TRP cation channel 1; plus strand). Cytogenetic location: 19p13.2.
Variant type: single nucleotide variant.
Coding change: c.329C>T on transcript NM_020533.3 (MANE Select); coding-DNA position 329, C replaced by T.
Protein change: p.Ser110Leu; replaces serine 110 with leucine.
Molecular consequence: missense variant.
Genome position (GRCh38, 1-based): chr19:7,526,530, C>T. VCF-style: chr19-7526530-C-T. GRCh37 (hg19) VCF-style: chr19-7591416-C-T.
Other names: c.329C>T (NM_020533.2); short protein forms S110L.
Identifiers: ClinVar variation 2201565 (VCV002201565.4), dbSNP rs139939038, ClinGen allele CA9138688.

ClinVar aggregate classification (germline): Conflicting classifications of pathogenicity. Review status: criteria provided, conflicting classifications (1 of 4 stars). 2 submissions from 2 submitters: Uncertain significance (1); Likely benign (1). Last evaluated 2026-01-27.

Conditions:
Mucolipidosis type IV (ML4). Also called: ML IV. Identifiers: Orphanet 578, MedGen C0238286, MONDO:0009653, OMIM 252650.

Allele frequency attached by ClinVar (database versions not stated): TOPMed 0.00009; ESP Exome Variant Server 0.00015; 1000 Genomes Project 0.00020; gnomAD 0.00009; gnomAD exomes 0.00007; ExAC 0.00016; 1000 Genomes Project 30x 0.00016.

Submissions (2):

Labcorp Genetics (formerly Invitae), Labcorp
Classification: Likely benign for Mucolipidosis type IV. Last evaluated: 2026-01-27. Review status: criteria provided, single submitter. Criteria: Invitae Variant Classification Sherloc (09022015). Collection method: clinical testing. Allele origin: germline.

GeneDx
Classification: Uncertain significance. Last evaluated: 2025-12-02. Review status: criteria provided, single submitter. Criteria: GeneDx Variant Classification Process June 2021. Collection method: clinical testing. Allele origin: germline.
Comment: In silico analysis suggests that this missense variant does not alter protein structure/function; Has not been previously published as pathogenic or benign to our knowledge